The following is an entry in ClinVar:

ClinVar aggregate classification (germline): Uncertain significance (1 of 4 stars; one submission).

Conditions:
Adams-Oliver syndrome 5 (AOS5). Identifiers: Orphanet 974, MedGen C4014970, MONDO:0014459, OMIM 616028.

Allele frequency attached by ClinVar (database versions not stated): gnomAD exomes below 0.00001; gnomAD 0.00001.
gnomAD v4.1: 2 of 1,600,774 alleles (0.00012%); highest among the groups gnomAD compares: Admixed American, 0.0017%; no homozygotes.

Submission:

Labcorp Genetics (formerly Invitae), Labcorp
Classification: Uncertain significance for Adams-Oliver syndrome 5. Last evaluated: 2023-04-14. Review status: criteria provided, single submitter. Criteria: Invitae Variant Classification Sherloc (09022015). Collection method: clinical testing. Allele origin: germline.
Comment: This sequence change falls in intron 3 of the NOTCH1 gene. It does not directly change the encoded amino acid sequence of the NOTCH1 protein. It affects a nucleotide within the consensus splice site. In summary, the available evidence is currently insufficient to determine the role of this variant in disease. Therefore, it has been classified as a Variant of Uncertain Significance. Variants that disrupt the consensus splice site are a relatively common cause of aberrant splicing (PMID: 17576681, 9536098). Algorithms developed to predict the effect of sequence changes on RNA splicing suggest that this variant is not likely to affect RNA splicing. ClinVar contains an entry for this variant (Variation ID: 2186217). This variant has not been reported in the literature in individuals affected with NOTCH1-related conditions. The frequency data for this variant in the population databases is considered unreliable, as metrics indicate poor data quality at this position in the gnomAD database.

Literature cited by the submitters: PubMed 17576681; PubMed 9536098.

NM_017617.5(NOTCH1):c.403+3G>A

Gene: NOTCH1 (notch receptor 1; minus strand). Cytogenetic location: 9q34.3.
Variant type: single nucleotide variant.
Coding change: c.403+3G>A on transcript NM_017617.5 (MANE Select); 3 bases into the intron after coding-DNA position 403, G replaced by A.
Molecular consequence: intron variant.
Genome position (GRCh38, 1-based): chr9:136,523,714, C>T on the plus strand (G>A on the coding strand, the complement: NOTCH1 is on the minus strand). VCF-style: chr9-136523714-C-T. GRCh37 (hg19) VCF-style: chr9-139418166-C-T.
Identifiers: ClinVar variation 2186217 (VCV002186217.4), dbSNP rs1484486786, ClinGen allele CA591178606.